The following is an entry in ClinVar:

NM_014444.5(TUBGCP4):c.1825G>T (p.Ala609Ser)

Genes: TP53BP1 (tumor protein p53 binding protein 1; minus strand), TUBGCP4 (tubulin gamma complex component 4; plus strand). Cytogenetic location: 15q15.3.
Variant type: single nucleotide variant.
Coding change: c.1825G>T on transcript NM_014444.5 (MANE Select); coding-DNA position 1825, G replaced by T.
Protein change: p.Ala609Ser; replaces alanine 609 with serine.
Molecular consequence: missense variant. On other transcripts: 3 prime UTR variant (5).
Genome position (GRCh38, 1-based): chr15:43,403,776, G>T. VCF-style: chr15-43403776-G-T. GRCh37 (hg19) VCF-style: chr15-43695974-G-T.
Other names: c.1828G>T, p.Ala610Ser (NM_001286414.3); c.*3607C>A (NM_001141979.3, NM_001141980.3, NM_001355001.2 and 2 more transcripts); short protein forms A609S, A610S.
Identifiers: ClinVar variation 1435888 (VCV001435888.5), dbSNP rs770105036, ClinGen allele CA7524205.
Genomic context (GRCh38, chr15:43,403,776, plus strand): 5'-TGTCACAGTTTTTGTTCGCTGGTCAGTCAGAACCTAGGCCCACTGGATGAGCGTGGAGCC[G>T]CCCAGCTGAGCATTCTCGTGAAGGTGCGTCTGCCTGGAAGTATGCAGCCTTGCCGAAAGG-3'
Protein context (NP_055259.2, residues 599-619): NLGPLDERGA[Ala609Ser]QLSILVKGFS

ClinVar aggregate classification (germline): Uncertain significance (1 of 4 stars; one submission).

Allele frequency attached by ClinVar (database versions not stated): gnomAD 0.00001.
gnomAD v4.1: 3 of 1,613,678 alleles (0.00019%); highest among the groups gnomAD compares: Non-Finnish European, 0.00025%; no homozygotes.

Submission:

Labcorp Genetics (formerly Invitae), Labcorp
Classification: Uncertain significance. Last evaluated: 2021-09-01. Review status: criteria provided, single submitter. Criteria: Invitae Variant Classification Sherloc (09022015). Collection method: clinical testing. Allele origin: germline.
Comment: This sequence change replaces alanine with serine at codon 610 of the TUBGCP4 protein (p.Ala610Ser). The alanine residue is moderately conserved and there is a moderate physicochemical difference between alanine and serine. This variant is present in population databases (rs770105036, ExAC 0.003%). This variant has not been reported in the literature in individuals affected with TUBGCP4-related conditions. Algorithms developed to predict the effect of missense changes on protein structure and function (SIFT, PolyPhen-2, Align-GVGD) all suggest that this variant is likely to be tolerated. In summary, the available evidence is currently insufficient to determine the role of this variant in disease. Therefore, it has been classified as a Variant of Uncertain Significance.